The following is an entry in ClinVar:

ClinVar aggregate classification (germline): Uncertain significance (1 of 4 stars; one submission).

gnomAD v4.1: 2 of 1,602,268 alleles (0.00012%); highest among the groups gnomAD compares: African/African-American, 0.0013%; no homozygotes.

Submission:

GeneDx
Classification: Uncertain significance. Last evaluated: 2024-08-09. Review status: criteria provided, single submitter. Criteria: GeneDx Variant Classification Process June 2021. Collection method: clinical testing. Allele origin: germline. Affected: yes.
Comment: In silico analysis supports that this missense variant has a deleterious effect on protein structure/function; Has not been previously published as pathogenic or benign to our knowledge

NM_015570.4(AUTS2):c.3665C>T (p.Pro1222Leu)

Gene: AUTS2 (activator of transcription and developmental regulator AUTS2; plus strand). Cytogenetic location: 7q11.22.
Variant type: single nucleotide variant.
Coding change: c.3665C>T on transcript NM_015570.4 (MANE Select); coding-DNA position 3665, C replaced by T.
Protein change: p.Pro1222Leu; replaces proline 1222 with leucine.
Molecular consequence: missense variant.
Genome position (GRCh38, 1-based): chr7:70,790,881, C>T. VCF-style: chr7-70790881-C-T. GRCh37 (hg19) VCF-style: chr7-70255867-C-T.
Other names: c.3593C>T, p.Pro1198Leu (NM_001127231.3); short protein forms P1198L, P1222L.
Identifiers: ClinVar variation 3602877 (VCV003602877.1).